The following is an entry in ClinVar:

NM_013275.6(ANKRD11):c.3563G>C (p.Arg1188Pro)

Gene: ANKRD11 (ankyrin repeat domain 11; minus strand). Cytogenetic location: 16q24.3.
Variant type: single nucleotide variant.
Coding change: c.3563G>C on transcript NM_013275.6 (MANE Select); coding-DNA position 3563, G replaced by C.
Protein change: p.Arg1188Pro; replaces arginine 1188 with proline.
Molecular consequence: missense variant.
Genome position (GRCh38, 1-based): chr16:89,282,979, C>G on the plus strand (G>C on the coding strand, the complement: ANKRD11 is on the minus strand). VCF-style: chr16-89282979-C-G. GRCh37 (hg19) VCF-style: chr16-89349387-C-G.
Other names: c.3563G>C, p.Arg1188Pro (NM_001256182.2, NM_001256183.2); short protein forms R1188P.
Identifiers: ClinVar variation 2872380 (VCV002872380.3), dbSNP rs182013418, ClinGen allele CA8242336.
Genomic context (GRCh38, chr16:89,282,979, plus strand): 5'-TTCTCCTTGTGCTTTTCAAAGACTTTCTCTTTTTTGTCTCTCCCCGCGTCGGCAGCCCCT[C>G]GGTCCTTTCTCCTGTCTCTGGGCTCCTTGTCCTTCTGCCTCTCAGGGTGCTGCTTGTCAG-3'
Protein context (NP_037407.4, residues 1178-1198): DKEPRDRRKD[Arg1188Pro]GAADAGRDKK

ClinVar aggregate classification (germline): Uncertain significance (1 of 4 stars; one submission).

Conditions:
KBG syndrome (KBGS). Also called: ANKRD11-Related KBG Syndrome. Identifiers: Orphanet 2332, MedGen C0220687, MONDO:0007846, OMIM 148050.

Allele frequency attached by ClinVar (database versions not stated): 1000 Genomes Project 30x 0.00031; 1000 Genomes Project 0.00040.

Submission:

Labcorp Genetics (formerly Invitae), Labcorp
Classification: Uncertain significance for KBG syndrome. Last evaluated: 2023-01-30. Review status: criteria provided, single submitter. Criteria: Invitae Variant Classification Sherloc (09022015). Collection method: clinical testing. Allele origin: germline.
Comment: In summary, the available evidence is currently insufficient to determine the role of this variant in disease. Therefore, it has been classified as a Variant of Uncertain Significance. Advanced modeling of protein sequence and biophysical properties (such as structural, functional, and spatial information, amino acid conservation, physicochemical variation, residue mobility, and thermodynamic stability) performed at Invitae indicates that this missense variant is not expected to disrupt ANKRD11 protein function. This variant has not been reported in the literature in individuals affected with ANKRD11-related conditions. This variant is present in population databases (rs182013418, gnomAD 0.007%). This sequence change replaces arginine, which is basic and polar, with proline, which is neutral and non-polar, at codon 1188 of the ANKRD11 protein (p.Arg1188Pro).